The following is an entry in ClinVar:

ClinVar aggregate classification (germline): Pathogenic (1 of 4 stars; one submission).

Conditions:
Renal cysts and diabetes syndrome (RCAD). Also called: Familial hypoplastic, glomerulocystic kidney; MATURITY-ONSET DIABETES OF THE YOUNG, TYPE 5. Identifiers: Orphanet 93111, MedGen C0431693, MONDO:0007669, OMIM 137920.

Submission:

Institute of Human Genetics, FAU Erlangen, Friedrich-Alexander-Universität Erlangen-Nürnberg
Classification: Pathogenic for Renal cysts and diabetes syndrome. Last evaluated: 2019-07-06. Review status: criteria provided, single submitter. Criteria: ACMG Guidelines, 2015. Collection method: literature only. Allele origin: germline. Affected: yes.
Comment: This variant and it's classification has been reported by Vasileiou et al. 2019; DOI:10.1101/576918. The variants has previously been reported in PMID:25700310; PMID:16249435; PMID:15068978; PMID:25536396 as "c.406C>G; c.406C>G" with clinical significance Pathogenic. It has been re-classified using InterVar and manual curation as Pathogenic based on PS4 PM1 PM2 PP3 PP5.

Literature cited by the submitters: PubMed 25700310; PubMed 16249435; PubMed 15068978; PubMed 25536396; DOI 10.1101/576918.

NM_000458.4(HNF1B):c.406C>G (p.Gln136Glu)

Gene: HNF1B (HNF1 homeobox B; minus strand). Cytogenetic location: 17q12.
Variant type: single nucleotide variant.
Coding change: c.406C>G on transcript NM_000458.4 (MANE Select); coding-DNA position 406, C replaced by G.
Protein change: p.Gln136Glu; replaces glutamine 136 with glutamic acid.
Molecular consequence: missense variant.
Genome position (GRCh38, 1-based): chr17:37,739,578, G>C on the plus strand (C>G on the coding strand, the complement: HNF1B is on the minus strand). VCF-style: chr17-37739578-G-C. GRCh37 (hg19) VCF-style: chr17-36099569-G-C.
Other names: c.406C>G, p.Gln136Glu (NM_001165923.4, NM_001304286.2); short protein forms Q136E.
Identifiers: ClinVar variation 635702 (VCV000635702.1), dbSNP rs2511829513, ClinGen allele CA398751567.